The following is an entry in ClinVar:

ClinVar aggregate classification (germline): Likely benign (1 of 4 stars; one submission).

Allele frequency attached by ClinVar (database versions not stated): gnomAD 0.00005; TOPMed 0.00005; ESP Exome Variant Server 0.00008; ExAC 0.00013.
gnomAD v4.1: 153 of 1,601,992 alleles (0.0096%); highest among the groups gnomAD compares: Middle Eastern, 0.067%; no homozygotes.

Submission:

CeGaT Center for Human Genetics Tuebingen
Classification: Likely benign. Last evaluated: 2023-03-01. Review status: criteria provided, single submitter. Criteria: CeGaT Center For Human Genetics Tuebingen Variant Classification Criteria Version 2. Collection method: clinical testing. Allele origin: germline. Affected: yes. Observed: 1 variant allele.
Comment: FARP2: BP4, BP7

NM_014808.4(FARP2):c.1569C>T (p.Cys523=)

Gene: FARP2 (FERM, ARH/RhoGEF and pleckstrin domain protein 2; plus strand). Cytogenetic location: 2q37.3.
Variant type: single nucleotide variant.
Coding change: c.1569C>T on transcript NM_014808.4 (MANE Select); coding-DNA position 1569, C replaced by T.
Protein change: p.Cys523=; no amino-acid change (cysteine 523 retained).
Molecular consequence: synonymous variant.
Genome position (GRCh38, 1-based): chr2:241,456,904, C>T. VCF-style: chr2-241456904-C-T. GRCh37 (hg19) VCF-style: chr2-242396319-C-T.
Other names: c.1569C>T, p.Cys523= (NM_001282983.2, NM_001282984.2).
Identifiers: ClinVar variation 2652113 (VCV002652113.24), dbSNP rs376390945, ClinGen allele CA2218271.
Genomic context (GRCh38, chr2:241,456,904, plus strand): 5'-GGGCTCATCCCCACTCCTGAGCCCTGTCCTCAGTGATGCTGGCGGAGCCGGGATGGACTG[C>T]GAGGAGCCCAGACACAAGGTGGGCCCCTCGAGGCTGAGAAGCTAGCAGAGGGTTGCAGGG-3'
Protein context (NP_055623.1, residues 513-533): LSDAGGAGMD[Cys523=]EEPRHKRVPA